The following is an entry in ClinVar:

ClinVar aggregate classification (germline): Uncertain significance. Review status: criteria provided, single submitter (1 of 4 stars). 2 submissions from 2 submitters: Uncertain significance (1). 1 of the submissions does not count toward it. Last evaluated 2022-06-23.

Conditions:
DHDDS-related disorder. Also called: DHDDS-related condition.
Retinitis pigmentosa 59 (RP59). Identifiers: Orphanet 791, MedGen C3151227, MONDO:0013468, OMIM 613861.

Allele frequency attached by ClinVar (database versions not stated): TOPMed below 0.00001; gnomAD 0.00001.
gnomAD v4.1: 11 of 1,613,976 alleles (0.00068%); highest among the groups gnomAD compares: African/African-American, 0.0013%; no homozygotes.

Submissions (2):

Labcorp Genetics (formerly Invitae), Labcorp
Classification: Uncertain significance for Retinitis pigmentosa 59. Last evaluated: 2022-06-23. Review status: criteria provided, single submitter. Criteria: Invitae Variant Classification Sherloc (09022015). Collection method: clinical testing. Allele origin: germline.
Comment: This sequence change replaces isoleucine, which is neutral and non-polar, with valine, which is neutral and non-polar, at codon 70 of the DHDDS protein (p.Ile70Val). This variant is not present in population databases (gnomAD no frequency). This variant has not been reported in the literature in individuals affected with DHDDS-related conditions. Algorithms developed to predict the effect of missense changes on protein structure and function output the following: SIFT: "Tolerated"; PolyPhen-2: "Benign"; Align-GVGD: "Class C0". The valine amino acid residue is found in multiple mammalian species, which suggests that this missense change does not adversely affect protein function. In summary, the available evidence is currently insufficient to determine the role of this variant in disease. Therefore, it has been classified as a Variant of Uncertain Significance.

PreventionGenetics, part of Exact Sciences
Classification: Uncertain significance for DHDDS-related condition. Last evaluated: 2024-04-25. Review status: no assertion criteria provided. Collection method: clinical testing. Allele origin: germline. Not counted in ClinVar's aggregate classification.
Comment: The DHDDS c.208A>G variant is predicted to result in the amino acid substitution p.Ile70Val. To our knowledge, this variant has not been reported in the literature or in a large population database, indicating this variant is rare. At this time, the clinical significance of this variant is uncertain due to the absence of conclusive functional and genetic evidence.

NM_205861.3(DHDDS):c.208A>G (p.Ile70Val)

Gene: DHDDS (dehydrodolichyl diphosphate synthase subunit; plus strand). Cytogenetic location: 1p36.11.
Variant type: single nucleotide variant.
Coding change: c.208A>G on transcript NM_205861.3 (MANE Select); coding-DNA position 208, A replaced by G.
Protein change: p.Ile70Val; replaces isoleucine 70 with valine.
Molecular consequence: missense variant. On other transcripts: 5 prime UTR variant (1).
Genome position (GRCh38, 1-based): chr1:26,442,758, A>G. VCF-style: chr1-26442758-A-G. GRCh37 (hg19) VCF-style: chr1-26769249-A-G.
Other names: c.208A>G, p.Ile70Val (NM_001243564.2, NM_001243565.2, NM_024887.4); c.-72A>G (NM_001319959.2); c.208A>G (NM_024887.3); short protein forms I70V.
Identifiers: ClinVar variation 2152881 (VCV002152881.2), dbSNP rs1253678123, ClinGen allele CA339140119.